The following is an entry in ClinVar:

ClinVar aggregate classification (germline): Likely benign (0 of 4 stars; one submission).

Conditions:
NCOA1-related disorder. Also called: NCOA1-related condition.

gnomAD v4.1: 18 of 1,614,110 alleles (0.0011%); highest among the groups gnomAD compares: South Asian, 0.012%; no homozygotes.

Submission:

PreventionGenetics, part of Exact Sciences
Classification: Likely benign for NCOA1-related condition. Last evaluated: 2021-02-18. Review status: no assertion criteria provided. Collection method: clinical testing. Allele origin: germline.
Comment: This variant is classified as likely benign based on ACMG/AMP sequence variant interpretation guidelines (Richards et al. 2015 PMID: 25741868, with internal and published modifications).

NM_003743.5(NCOA1):c.1791A>G (p.Gln597=)

Gene: NCOA1 (nuclear receptor coactivator 1; plus strand). Cytogenetic location: 2p23.3.
Variant type: single nucleotide variant.
Coding change: c.1791A>G on transcript NM_003743.5 (MANE Select); coding-DNA position 1791, A replaced by G.
Protein change: p.Gln597=; no amino-acid change (glutamine 597 retained).
Molecular consequence: synonymous variant.
Genome position (GRCh38, 1-based): chr2:24,707,261, A>G. VCF-style: chr2-24707261-A-G. GRCh37 (hg19) VCF-style: chr2-24930130-A-G.
Other names: c.1791A>G, p.Gln597= (NM_001362950.1, NM_001362952.1, NM_001362954.1 and 3 more transcripts).
Identifiers: ClinVar variation 3351505 (VCV003351505.1).